The following is an entry in ClinVar:

NM_144687.4(NLRP12):c.291T>C (p.Asp97=)

Gene: NLRP12 (NLR family pyrin domain containing 12; minus strand). Cytogenetic location: 19q13.42.
Variant type: single nucleotide variant.
Coding change: c.291T>C on transcript NM_144687.4 (MANE Select); coding-DNA position 291, T replaced by C.
Protein change: p.Asp97=; no amino-acid change (aspartic acid 97 retained).
Molecular consequence: synonymous variant.
Genome position (GRCh38, 1-based): chr19:53,814,987, A>G on the plus strand (T>C on the coding strand, the complement: NLRP12 is on the minus strand). VCF-style: chr19-53814987-A-G. GRCh37 (hg19) VCF-style: chr19-54318241-A-G.
Other names: c.291T>C, p.Asp97= (NM_001277126.2, NM_001277129.1).
Identifiers: ClinVar variation 330045 (VCV000330045.29), dbSNP rs201046901, ClinGen allele CA9639771.

ClinVar aggregate classification (germline): Benign/Likely benign. Review status: criteria provided, multiple submitters, no conflicts (2 of 4 stars). 5 submissions from 5 submitters: Benign (1); Likely benign (4). Last evaluated 2026-01-23.

Conditions:
Familial cold autoinflammatory syndrome 2 (FCAS2). Identifiers: Orphanet 247868, MedGen C2673198, MONDO:0012724, OMIM 611762.
Autoinflammatory syndrome. Identifiers: Orphanet 93665, MedGen C3890737, MONDO:0019751.

Allele frequency attached by ClinVar (database versions not stated): gnomAD exomes 0.00019 and 0.00030; ExAC 0.00021; TOPMed 0.00022; gnomAD 0.00027; ESP Exome Variant Server 0.00031; 1000 Genomes Project 0.00040; 1000 Genomes Project 30x 0.00047.
gnomAD v4.1: 474 of 1,613,066 alleles (0.029%); highest among the groups gnomAD compares: Non-Finnish European, 0.037%; no homozygotes.

Submissions (5):

Labcorp Genetics (formerly Invitae), Labcorp
Classification: Likely benign for Familial cold autoinflammatory syndrome 2. Last evaluated: 2026-01-23. Review status: criteria provided, single submitter. Criteria: Invitae Variant Classification Sherloc (09022015). Collection method: clinical testing. Allele origin: germline.

CeGaT Center for Human Genetics Tuebingen
Classification: Likely benign. Last evaluated: 2025-05-01. Review status: criteria provided, single submitter. Criteria: CeGaT Center For Human Genetics Tuebingen Variant Classification Criteria Version 2. Collection method: clinical testing. Allele origin: germline. Affected: yes. Observed: 1 variant allele.
Comment: NLRP12: BP4, BP7

Blueprint Genetics
Classification: Likely benign. Last evaluated: 2024-04-11. Review status: criteria provided, single submitter. Criteria: ACMG Guidelines, 2015. Collection method: clinical testing. Allele origin: germline.

Genome Diagnostics Laboratory, The Hospital for Sick Children
Classification: Likely benign for Autoinflammatory syndrome. Last evaluated: 2021-09-15. Review status: criteria provided, single submitter. Criteria: ACMG Guidelines, 2015. Collection method: clinical testing. Allele origin: germline. Affected: yes.

Illumina Laboratory Services, Illumina
Classification: Benign for Familial cold autoinflammatory syndrome 2. Last evaluated: 2018-01-13. Review status: criteria provided, single submitter. Criteria: ICSL Variant Classification Criteria 13 December 2019. Collection method: clinical testing. Allele origin: germline.
Comment: This variant was observed in the ICSL laboratory as part of a predisposition screen in an ostensibly healthy population. It had not been previously curated by ICSL or reported in the Human Gene Mutation Database (HGMD: prior to June 1st, 2018), and was therefore a candidate for classification through an automated scoring system. Utilizing variant allele frequency, disease prevalence and penetrance estimates, and inheritance mode, an automated score was calculated to assess if this variant is too frequent to cause the disease. Based on the score and internal cut-off values, a variant classified as benign is not then subjected to further curation. The score for this variant resulted in a classification of benign for this disease.